The following is an entry in ClinVar:

ClinVar aggregate classification (germline): Uncertain significance. Review status: criteria provided, multiple submitters, no conflicts (2 of 4 stars). 2 submissions from 2 submitters: Uncertain significance (2). Last evaluated 2023-12-18.

Conditions:
Hereditary cancer-predisposing syndrome. Also called: Neoplastic Syndromes, Hereditary; Hereditary neoplastic syndrome; Tumor predisposition; Hereditary Cancer Syndrome. Identifiers: Orphanet 140162, MedGen C0027672, MeSH D009386, MONDO:0015356.
Cardiovascular phenotype. Identifiers: MedGen CN230736.

Submissions (2):

Ambry Genetics
Classification: Uncertain significance for Cardiovascular phenotype; Hereditary cancer-predisposing syndrome. Last evaluated: 2023-12-18. Review status: criteria provided, single submitter. Criteria: Ambry Variant Classification Scheme 2023. Collection method: clinical testing. Allele origin: germline.
Comment: The p.H178Q variant (also known as c.534T>A), located in coding exon 6 of the LZTR1 gene, results from a T to A substitution at nucleotide position 534. The histidine at codon 178 is replaced by glutamine, an amino acid with highly similar properties. This amino acid position is conserved. In addition, the in silico prediction for this alteration is inconclusive. Since supporting evidence is limited at this time, the clinical significance of this alteration remains unclear.

GeneDx
Classification: Uncertain significance. Last evaluated: 2022-10-05. Review status: criteria provided, single submitter. Criteria: GeneDx Variant Classification Process June 2021. Collection method: clinical testing. Allele origin: germline. Affected: yes.
Comment: Not observed at significant frequency in large population cohorts (gnomAD); In silico analysis supports that this missense variant has a deleterious effect on protein structure/function; Has not been previously published as pathogenic or benign to our knowledge

NM_006767.4(LZTR1):c.534T>A (p.His178Gln)

Gene: LZTR1 (leucine zipper like post translational regulator 1; plus strand). Cytogenetic location: 22q11.21.
Variant type: single nucleotide variant.
Coding change: c.534T>A on transcript NM_006767.4 (MANE Select); coding-DNA position 534, T replaced by A.
Protein change: p.His178Gln; replaces histidine 178 with glutamine.
Molecular consequence: missense variant.
Genome position (GRCh38, 1-based): chr22:20,988,813, T>A. VCF-style: chr22-20988813-T-A. GRCh37 (hg19) VCF-style: chr22-21343102-T-A.
Other names: short protein forms H178Q.
Identifiers: ClinVar variation 2498034 (VCV002498034.2), dbSNP rs763380241, ClinGen allele CA410780122.